The following is an entry in ClinVar:

NM_000481.4(AMT):c.1087G>A (p.Gly363Ser)

Gene: AMT (aminomethyltransferase; minus strand). Cytogenetic location: 3p21.31.
Variant type: single nucleotide variant.
Coding change: c.1087G>A on transcript NM_000481.4 (MANE Select); coding-DNA position 1087, G replaced by A.
Protein change: p.Gly363Ser; replaces glycine 363 with serine.
Molecular consequence: missense variant. On other transcripts: non-coding transcript variant (1).
Genome position (GRCh38, 1-based): chr3:49,417,665, C>T on the plus strand (G>A on the coding strand, the complement: AMT is on the minus strand). VCF-style: chr3-49417665-C-T. GRCh37 (hg19) VCF-style: chr3-49455098-C-T.
Other names: c.955G>A, p.Gly319Ser (NM_001164710.2); c.919G>A, p.Gly307Ser (NM_001164711.2); c.1087G>A, p.Gly363Ser (NM_001164712.2); short protein forms G363S, G307S, G319S.
Identifiers: ClinVar variation 2076937 (VCV002076937.4), dbSNP rs1167886830, ClinGen allele CA352788969.

ClinVar aggregate classification (germline): Likely pathogenic (1 of 4 stars; one submission).

Conditions:
Glycine encephalopathy. Also called: Nonketotic hyperglycinemia; Non-ketotic hyperglycinemia. Identifiers: Orphanet 407, MedGen C0751748, MONDO:0011612, HP:0008288.

Submission:

Labcorp Genetics (formerly Invitae), Labcorp
Classification: Likely pathogenic for Glycine encephalopathy. Last evaluated: 2024-02-16. Review status: criteria provided, single submitter. Criteria: Invitae Variant Classification Sherloc (09022015). Collection method: clinical testing. Allele origin: germline.
Comment: This sequence change replaces glycine, which is neutral and non-polar, with serine, which is neutral and polar, at codon 363 of the AMT protein (p.Gly363Ser). This variant is not present in population databases (gnomAD no frequency). This variant has not been reported in the literature in individuals affected with AMT-related conditions. ClinVar contains an entry for this variant (Variation ID: 2076937). Advanced modeling of protein sequence and biophysical properties (such as structural, functional, and spatial information, amino acid conservation, physicochemical variation, residue mobility, and thermodynamic stability) performed at Invitae indicates that this missense variant is expected to disrupt AMT protein function with a positive predictive value of 95%. This variant disrupts the p.Gly363 amino acid residue in AMT. Other variant(s) that disrupt this residue have been determined to be pathogenic (PMID: 27362913; Invitae). This suggests that this residue is clinically significant, and that variants that disrupt this residue are likely to be disease-causing. In summary, the currently available evidence indicates that the variant is pathogenic, but additional data are needed to prove that conclusively. Therefore, this variant has been classified as Likely Pathogenic.

Literature cited by the submitters: PubMed 27362913.